The following is an entry in ClinVar:

NM_007348.4(ATF6):c.1103G>T (p.Arg368Met)

Gene: ATF6 (activating transcription factor 6; plus strand). Cytogenetic location: 1q23.3.
Variant type: single nucleotide variant.
Coding change: c.1103G>T on transcript NM_007348.4 (MANE Select); coding-DNA position 1103, G replaced by T.
Protein change: p.Arg368Met; replaces arginine 368 with methionine.
Molecular consequence: missense variant.
Genome position (GRCh38, 1-based): chr1:161,821,077, G>T. VCF-style: chr1-161821077-G-T. GRCh37 (hg19) VCF-style: chr1-161790867-G-T.
Other names: short protein forms R368M.
Identifiers: ClinVar variation 1036657 (VCV001036657.4), dbSNP rs754184728, ClinGen allele CA1214375.

ClinVar aggregate classification (germline): Uncertain significance. Review status: criteria provided, multiple submitters, no conflicts (2 of 4 stars). 2 submissions from 2 submitters: Uncertain significance (2). Last evaluated 2023-02-24.

Allele frequency attached by ClinVar (database versions not stated): gnomAD below 0.00001 and 0.00001; gnomAD exomes 0.00001; ExAC 0.00002.
gnomAD v4.1: 9 of 1,608,154 alleles (0.00056%); highest among the groups gnomAD compares: South Asian, 0.0089%; no homozygotes.

Submissions (2):

Blueprint Genetics
Classification: Uncertain significance. Last evaluated: 2023-02-24. Review status: criteria provided, single submitter. Criteria: ACMG Guidelines, 2015. Collection method: clinical testing. Allele origin: germline.

Labcorp Genetics (formerly Invitae), Labcorp
Classification: Uncertain significance. Last evaluated: 2020-10-10. Review status: criteria provided, single submitter. Criteria: Invitae Variant Classification Sherloc (09022015). Collection method: clinical testing. Allele origin: germline.
Comment: In summary, the available evidence is currently insufficient to determine the role of this variant in disease. Therefore, it has been classified as a Variant of Uncertain Significance. Algorithms developed to predict the effect of missense changes on protein structure and function (SIFT, PolyPhen-2, Align-GVGD) all suggest that this variant is likely to be tolerated, but these predictions have not been confirmed by published functional studies and their clinical significance is uncertain. This variant has not been reported in the literature in individuals with ATF6-related conditions. This variant is present in population databases (rs754184728, ExAC 0.01%). This sequence change replaces arginine with methionine at codon 368 of the ATF6 protein (p.Arg368Met). The arginine residue is moderately conserved and there is a moderate physicochemical difference between arginine and methionine.